The following is an entry in ClinVar:

NM_001379110.1(SLC9A6):c.1454A>G (p.His485Arg)

Gene: SLC9A6 (solute carrier family 9 member A6; plus strand). Cytogenetic location: Xq26.3.
Variant type: single nucleotide variant.
Coding change: c.1454A>G on transcript NM_001379110.1 (MANE Select); coding-DNA position 1454, A replaced by G.
Protein change: p.His485Arg; replaces histidine 485 with arginine.
Molecular consequence: missense variant.
Genome position (GRCh38, 1-based): chrX:136,024,477, A>G. VCF-style: chrX-136024477-A-G. GRCh37 (hg19) VCF-style: chrX-135106636-A-G.
Other names: c.1514A>G (NM_006359.2); c.1610A>G, p.His537Arg (NM_001042537.2); c.1454A>G, p.His485Arg (NM_001177651.2, NM_001400909.1, NM_001400910.1 and 2 more transcripts); c.1358A>G, p.His453Arg (NM_001330652.2, NM_001400913.1); c.1514A>G, p.His505Arg (NM_006359.3); short protein forms H453R, H485R, H505R, H537R.
Identifiers: ClinVar variation 2911181 (VCV002911181.5), dbSNP rs1435740230, ClinGen allele CA414754854.

ClinVar aggregate classification (germline): Uncertain significance. Review status: criteria provided, multiple submitters, no conflicts (2 of 4 stars). 2 submissions from 2 submitters: Uncertain significance (2). Last evaluated 2025-02-25.

Conditions:
Christianson syndrome (MRXSCH). Also called: SLC9A6-Related Syndromic Mental Retardation; INTELLECTUAL DEVELOPMENTAL DISORDER, X-LINKED, SYNDROMIC, CHRISTIANSON TYPE; X-linked mental retardation, syndromic, Christianson type. Identifiers: Orphanet 85278, MedGen C2678194, MONDO:0010278, OMIM 300243.

Submissions (2):

GeneDx
Classification: Uncertain significance. Last evaluated: 2025-02-25. Review status: criteria provided, single submitter. Criteria: GeneDx Variant Classification Process June 2021. Collection method: clinical testing. Allele origin: germline.
Comment: Not observed at significant frequency in large population cohorts (gnomAD); In silico analysis indicates that this missense variant does not alter protein structure/function; Has not been previously published as pathogenic or benign to our knowledge

Labcorp Genetics (formerly Invitae), Labcorp
Classification: Uncertain significance for Christianson syndrome. Last evaluated: 2023-09-22. Review status: criteria provided, single submitter. Criteria: Invitae Variant Classification Sherloc (09022015). Collection method: clinical testing. Allele origin: germline.
Comment: This sequence change replaces histidine, which is basic and polar, with arginine, which is basic and polar, at codon 505 of the SLC9A6 protein (p.His505Arg). This variant is not present in population databases (gnomAD no frequency). This variant has not been reported in the literature in individuals affected with SLC9A6-related conditions. Advanced modeling of protein sequence and biophysical properties (such as structural, functional, and spatial information, amino acid conservation, physicochemical variation, residue mobility, and thermodynamic stability) performed at Invitae indicates that this missense variant is not expected to disrupt SLC9A6 protein function. In summary, the available evidence is currently insufficient to determine the role of this variant in disease. Therefore, it has been classified as a Variant of Uncertain Significance.